The following is an entry in ClinVar:

ClinVar aggregate classification (germline): Uncertain significance (0 of 4 stars; one submission).

Conditions:
MAGEL2-related disorder. Also called: MAGEL2-related condition.

Allele frequency attached by ClinVar (database versions not stated): TOPMed 0.00001.
gnomAD v4.1: 10 of 1,536,262 alleles (0.00065%); highest among the groups gnomAD compares: Admixed American, 0.02%; no homozygotes.

Submission:

PreventionGenetics, part of Exact Sciences
Classification: Uncertain significance for MAGEL2-related condition. Last evaluated: 2024-08-06. Review status: no assertion criteria provided. Collection method: clinical testing. Allele origin: germline.
Comment: The MAGEL2 c.925G>A variant is predicted to result in the amino acid substitution p.Ala309Thr. To our knowledge, this variant has not been reported in the literature. This variant is reported in 0.033% of alleles in individuals of Latino descent in gnomAD. Another variant at this codon p.Ala309Glu was observed in patient with autism (Table S20, Fu et al. 2022. PubMed ID: 35982160). Although we suspect that this variant may be benign, at this time, the clinical significance of this variant is uncertain due to the absence of conclusive functional and genetic evidence.

NM_019066.5(MAGEL2):c.925G>A (p.Ala309Thr)

Gene: MAGEL2 (MAGE family member L2; minus strand). Cytogenetic location: 15q11.2.
Variant type: single nucleotide variant.
Coding change: c.925G>A on transcript NM_019066.5 (MANE Select); coding-DNA position 925, G replaced by A.
Protein change: p.Ala309Thr; replaces alanine 309 with threonine.
Molecular consequence: missense variant.
Genome position (GRCh38, 1-based): chr15:23,646,818, C>T on the plus strand (G>A on the coding strand, the complement: MAGEL2 is on the minus strand). VCF-style: chr15-23646818-C-T. GRCh37 (hg19) VCF-style: chr15-23891965-C-T.
Other names: short protein forms A309T.
Identifiers: ClinVar variation 2634276 (VCV002634276.2), dbSNP rs1007122664, ClinGen allele CA267660917.